The following is an entry in ClinVar:

ClinVar aggregate classification (germline): Uncertain significance (1 of 4 stars; one submission).

gnomAD v4.1: 8 of 1,613,076 alleles (0.0005%); highest among the groups gnomAD compares: Non-Finnish European, 0.00068%; no homozygotes.

Submission:

GeneDx
Classification: Uncertain significance. Last evaluated: 2022-12-27. Review status: criteria provided, single submitter. Criteria: GeneDx Variant Classification Process June 2021. Collection method: clinical testing. Allele origin: germline. Affected: yes.
Comment: Not observed at significant frequency in large population cohorts (gnomAD); In silico analysis supports that this missense variant does not alter protein structure/function; Has not been previously published as pathogenic or benign to our knowledge

NM_032229.3(SLITRK6):c.1810G>T (p.Ala604Ser)

Gene: SLITRK6 (SLIT and NTRK like family member 6; minus strand). Cytogenetic location: 13q31.1.
Variant type: single nucleotide variant.
Coding change: c.1810G>T on transcript NM_032229.3 (MANE Select); coding-DNA position 1810, G replaced by T.
Protein change: p.Ala604Ser; replaces alanine 604 with serine.
Molecular consequence: missense variant.
Genome position (GRCh38, 1-based): chr13:85,794,699, C>A on the plus strand (G>T on the coding strand, the complement: SLITRK6 is on the minus strand). VCF-style: chr13-85794699-C-A. GRCh37 (hg19) VCF-style: chr13-86368834-C-A.
Other names: short protein forms A604S.
Identifiers: ClinVar variation 2507096 (VCV002507096.1), dbSNP rs371704272, ClinGen allele CA7015017.
Genomic context (GRCh38, chr13:85,794,699, plus strand): 5'-AGAAAACAATAGTGATGAACATAATCAGAAGTCCCAATATTAGAACAGACAGTGGCACAG[C>A]GTCCGTAAGAGATCGTAAAATAGTATCAGCCGTATTTGTTGTTGTTGCAGGAGTGGTGAC-3'
Protein context (NP_115605.2, residues 594-614): ADTILRSLTD[Ala604Ser]VPLSVLILGL